The following is an entry in ClinVar:

ClinVar aggregate classification (germline): Uncertain significance. Review status: criteria provided, single submitter (1 of 4 stars). 2 submissions from 2 submitters: Uncertain significance (1). 1 of the submissions does not count toward it. Last evaluated 2024-04-10.

Conditions:
CEL-related disorder. Also called: CEL-related condition.
Maturity-onset diabetes of the young type 8 (MODY8). Also called: DIABETES-PANCREATIC EXOCRINE DYSFUNCTION SYNDROME; DIABETES AND PANCREATIC EXOCRINE DYSFUNCTION. Identifiers: Orphanet 552, MedGen C1853297, MONDO:0012348, OMIM 609812.

Submissions (2):

Fulgent Genetics
Classification: Uncertain significance for Maturity-onset diabetes of the young type 8. Last evaluated: 2024-04-10. Review status: criteria provided, single submitter. Criteria: ACMG Guidelines, 2015. Collection method: clinical testing. Allele origin: germline.

PreventionGenetics, part of Exact Sciences
Classification: Uncertain significance for CEL-related condition. Last evaluated: 2024-08-14. Review status: no assertion criteria provided. Collection method: clinical testing. Allele origin: germline. Not counted in ClinVar's aggregate classification.
Comment: The CEL c.859C>T variant is predicted to result in premature protein termination (p.Arg287*). To our knowledge, this variant has not been reported in the literature. This variant is reported in 0.011% of alleles in individuals of East Asian descent in gnomAD. Although we suspect that this variant may be pathogenic, at this time, the clinical significance of this variant is uncertain due to the absence of conclusive functional and genetic evidence.

NM_001807.6(CEL):c.850C>T (p.Arg284Ter)

Gene: CEL (carboxyl ester lipase; plus strand). Cytogenetic location: 9q34.13.
Variant type: single nucleotide variant.
Coding change: c.850C>T on transcript NM_001807.6 (MANE Select); coding-DNA position 850, C replaced by T.
Protein change: p.Arg284Ter; replaces arginine 284 with a stop codon.
Molecular consequence: nonsense.
Genome position (GRCh38, 1-based): chr9:133,067,160, C>T. VCF-style: chr9-133067160-C-T. GRCh37 (hg19) VCF-style: chr9-135942547-C-T.
Other names: short protein forms R284*.
Identifiers: ClinVar variation 3352004 (VCV003352004.2).